The following is an entry in ClinVar:

NM_001276270.2(MBD4):c.1395C>T (p.Gly465=)

Gene: MBD4 (methyl-CpG binding domain 4, DNA glycosylase; minus strand). Cytogenetic location: 3q21.3.
Variant type: single nucleotide variant.
Coding change: c.1395C>T on transcript NM_001276270.2 (MANE Select); coding-DNA position 1395, C replaced by T.
Protein change: p.Gly465=; no amino-acid change (glycine 465 retained).
Molecular consequence: synonymous variant.
Genome position (GRCh38, 1-based): chr3:129,433,246, G>A on the plus strand (C>T on the coding strand, the complement: MBD4 is on the minus strand). VCF-style: chr3-129433246-G-A. GRCh37 (hg19) VCF-style: chr3-129152089-G-A.
Other names: c.1413C>T, p.Gly471= (NM_001276271.2, NM_001276272.2, NM_003925.3); c.459C>T, p.Gly153= (NM_001276273.2).
Identifiers: ClinVar variation 1262431 (VCV001262431.13), dbSNP rs140696, ClinGen allele CA2605294.
Genomic context (GRCh38, chr3:129,433,246, plus strand): 5'-TGCTACCTCAGCTGAAGGATACTTCTCCAGAAACTTCCAAAGCACAGGTATTGCCATTTT[G>A]CCTGGGAAGTAAAAGTAACTGAATGATTACAAGACTCCAGGTGGGCTGATTTCATGTTCA-3'
Protein context (NP_001263199.1, residues 455-475): IATIFLNRTS[Gly465=]KMAIPVLWKF

ClinVar aggregate classification (germline): Benign. Review status: criteria provided, multiple submitters, no conflicts (2 of 4 stars). 7 submissions from 7 submitters: Benign (7). Last evaluated 2026-09-14.

Conditions:
Tumor predisposition syndrome 2 (TPDS2). Also called: MBD4-Related Tumor Predisposition Syndrome; MBD4-ASSOCIATED NEOPLASIA SYNDROME; MBD4-associated neoplasia syndrome (MANS). Identifiers: Orphanet 661526, MedGen C5774186, MONDO:0859267, OMIM 619975.
Inborn genetic diseases. Identifiers: MedGen C0950123, MeSH D030342.
MBD4-related disorder. Also called: MBD4-related condition.

Allele frequency attached by ClinVar (database versions not stated): gnomAD 0.12971 and 0.13178; TOPMed 0.13814; ESP Exome Variant Server 0.13970; 1000 Genomes Project 0.16733; 1000 Genomes Project 30x 0.17146.
gnomAD v4.1: 178,028 of 1,613,452 alleles (11%); highest among the groups gnomAD compares: South Asian, 25%; 11,984 homozygotes.

Submissions (7):

PreventionGenetics, part of Exact Sciences
Classification: Benign for MBD4-related condition. Last evaluated: 2026-09-14. Review status: criteria provided, single submitter. Criteria: ACMG Guidelines, 2015. Collection method: clinical testing. Allele origin: germline.
Comment: This variant is classified as benign based on ACMG/AMP sequence variant interpretation guidelines (Richards et al. 2015 PMID: 25741868, with internal and published modifications).

Myriad Genetics, Inc.
Classification: Benign for Tumor predisposition syndrome 2. Last evaluated: 2026-06-11. Review status: criteria provided, single submitter. Criteria: Myriad Autosomal Dominant, Autosomal Recessive and X-Linked Classification Criteria (2023). Collection method: clinical testing. Allele origin: unknown.
Comment: This variant is considered benign. This variant is a silent/synonymous amino acid change and it is not expected to impact splicing.

Labcorp Genetics (formerly Invitae), Labcorp
Classification: Benign. Last evaluated: 2026-02-04. Review status: criteria provided, single submitter. Criteria: Invitae Variant Classification Sherloc (09022015). Collection method: clinical testing. Allele origin: germline.

ARUP Laboratories, Molecular Genetics and Genomics, ARUP Laboratories
Classification: Benign. Last evaluated: 2025-07-28. Review status: criteria provided, single submitter. Criteria: ARUP Molecular Germline Variant Investigation Process 2024. Collection method: clinical testing. Allele origin: germline.

Ambry Genetics
Classification: Benign for Inborn genetic diseases. Last evaluated: 2024-10-18. Review status: criteria provided, single submitter. Criteria: Ambry Variant Classification Scheme 2023. Collection method: clinical testing. Allele origin: germline.

GeneDx
Classification: Benign. Last evaluated: 2021-05-04. Review status: criteria provided, single submitter. Criteria: GeneDx Variant Classification Process June 2021. Collection method: clinical testing. Allele origin: germline. Affected: yes.

Breakthrough Genomics
Classification: Benign. Review status: criteria provided, single submitter. Criteria: ACMG Guidelines, 2015. Collection method: not provided. Allele origin: germline. Inheritance: Autosomal recessive inheritance. Affected: yes.